The following is an entry in ClinVar:

NM_006648.4(WNK2):c.1955G>T (p.Cys652Phe)

Gene: WNK2 (WNK lysine deficient protein kinase 2; plus strand). Cytogenetic location: 9q22.31.
Variant type: single nucleotide variant.
Coding change: c.1955G>T on transcript NM_006648.4 (MANE Select); coding-DNA position 1955, G replaced by T.
Protein change: p.Cys652Phe; replaces cysteine 652 with phenylalanine.
Molecular consequence: missense variant.
Genome position (GRCh38, 1-based): chr9:93,253,003, G>T. VCF-style: chr9-93253003-G-T. GRCh37 (hg19) VCF-style: chr9-96015285-G-T.
Other names: c.1955G>T, p.Cys652Phe (NM_001282394.3); short protein forms C652F.
Identifiers: ClinVar variation 4866527 (VCV004866527.1).

ClinVar aggregate classification (germline): Uncertain significance (1 of 4 stars; one submission).

gnomAD v4.1: 1 of 1,561,548 alleles (0.000064%); highest among the groups gnomAD compares: Admixed American, 0.0019%; no homozygotes.

Submission:

Ambry Genetics
Classification: Uncertain significance. Last evaluated: 2026-03-20. Review status: criteria provided, single submitter. Criteria: Ambry Variant Classification Scheme 2023. Collection method: clinical testing. Allele origin: germline.
Comment: The p.C652F variant (also known as c.1955G>T), located in coding exon 8 of the WNK2 gene, results from a G to T substitution at nucleotide position 1955. The cysteine at codon 652 is replaced by phenylalanine, an amino acid with highly dissimilar properties. This amino acid position is conserved. In addition, this alteration is predicted to be tolerated by in silico analysis. Based on the available evidence, the clinical significance of this variant remains unclear.